The following is an entry in ClinVar:

NM_000277.3(PAH):c.182A>G (p.Asn61Ser)

Gene: PAH (phenylalanine hydroxylase; minus strand). Cytogenetic location: 12q23.2.
Variant type: single nucleotide variant.
Coding change: c.182A>G on transcript NM_000277.3 (MANE Select); coding-DNA position 182, A replaced by G.
Protein change: p.Asn61Ser; replaces asparagine 61 with serine.
Molecular consequence: missense variant.
Genome position (GRCh38, 1-based): chr12:102,894,905, T>C on the plus strand (A>G on the coding strand, the complement: PAH is on the minus strand). VCF-style: chr12-102894905-T-C. GRCh37 (hg19) VCF-style: chr12-103288683-T-C.
Other names: NM_001354304.2:c.182A>G; c.182A>G, p.Asn61Ser (NM_001354304.2); short protein forms N61S.
Identifiers: ClinVar variation 1514901 (VCV001514901.6), dbSNP rs2136702181, ClinGen allele CA386304246.

ClinVar aggregate classification (germline): Uncertain significance. Review status: reviewed by expert panel (3 of 4 stars). 2 submissions from 2 submitters: Uncertain significance (1). 1 of the submissions does not count toward it. Last evaluated 2025-07-18.

Conditions:
Phenylketonuria (PKU). Also called: OLIGOPHRENIA PHENYLPYRUVICA; Phenylketonurias; Phenylketonuria (PKU); FOLLING DISEASE. Identifiers: Orphanet 716, MedGen C0031485, MONDO:0009861, OMIM 261600. Disease mechanism: loss of function.

Submissions (2):

ClinGen PAH Variant Curation Expert Panel
Classification: Uncertain significance for Phenylketonuria. Last evaluated: 2025-07-18. Review status: reviewed by expert panel. Criteria: ClinGen PAH ACMG Specifications v1. Collection method: curation. Allele origin: germline. Inheritance: Autosomal recessive inheritance.
Comment: The NM_000277.3(PAH):c.182A>G (p.Asn61Ser)variant in PAH is a missense variant predicted to cause substitution of asparagine by serine at amino acid 61 (p.Asn61Ser). At least one patient with this variant displayed plasma phenylalanine concentration persistently above 120umol/L (2mg/dL) AND normal urine pterins and DHPR activity to exclude a defect of BH4 cofactor metabolism, which is highly specific for Phenylketonuria (PP4_Moderate; PMID:29499199). This variant is absent from gnomAD v4.1.0 (PM2_Supporting). 2 different missense variants c.181A>G (p.Asn61Asp) and c.183C>A (p.Asn61Lys) in the same codon have been classified as likely pathogenic for PAH deficiency by the ClinGen PAH Variant Curation Expert Panel (PM5). Due to insufficient evidence, this variant is classified as a variant of uncertain significance for autosomal recessive PAH deficiency based on the ACMG/AMP criteria applied, as specified by the ClinGen Phenylketonuria VCEP: PP4_moderate, PM2_supporting, PM5 (Version 2.0, 7/16/2024).

Labcorp Genetics (formerly Invitae), Labcorp
Classification: Likely pathogenic for Phenylketonuria. Last evaluated: 2023-07-07. Review status: criteria provided, single submitter. Criteria: Invitae Variant Classification Sherloc (09022015). Collection method: clinical testing. Allele origin: germline. Not counted in ClinVar's aggregate classification.
Comment: In summary, the currently available evidence indicates that the variant is pathogenic, but additional data are needed to prove that conclusively. Therefore, this variant has been classified as Likely Pathogenic. This variant disrupts the p.Asn61 amino acid residue in PAH. Other variant(s) that disrupt this residue have been determined to be pathogenic (PMID: 10234516, 12501224; Invitae). This suggests that this residue is clinically significant, and that variants that disrupt this residue are likely to be disease-causing. Advanced modeling of protein sequence and biophysical properties (such as structural, functional, and spatial information, amino acid conservation, physicochemical variation, residue mobility, and thermodynamic stability) performed at Invitae indicates that this missense variant is not expected to disrupt PAH protein function. ClinVar contains an entry for this variant (Variation ID: 1514901). This missense change has been observed in individual(s) with hyperphenylalaninemia (PMID: 29499199). This variant is not present in population databases (gnomAD no frequency). This sequence change replaces asparagine, which is neutral and polar, with serine, which is neutral and polar, at codon 61 of the PAH protein (p.Asn61Ser).

Literature cited by the submitters: PubMed 10234516 (cited by Labcorp Genetics (formerly Invitae), Labcorp); PubMed 12501224 (cited by Labcorp Genetics (formerly Invitae), Labcorp); PubMed 29499199 (cited by Labcorp Genetics (formerly Invitae), Labcorp).